The following is an entry in ClinVar:

NM_001136191.3(KANK2):c.1848+6A>G

Gene: KANK2 (KN motif and ankyrin repeat domains 2; minus strand). Cytogenetic location: 19p13.2.
Variant type: single nucleotide variant.
Coding change: c.1848+6A>G on transcript NM_001136191.3 (MANE Select); 6 bases into the intron after coding-DNA position 1848, A replaced by G.
Molecular consequence: intron variant.
Genome position (GRCh38, 1-based): chr19:11,175,896, T>C on the plus strand (A>G on the coding strand, the complement: KANK2 is on the minus strand). VCF-style: chr19-11175896-T-C. GRCh37 (hg19) VCF-style: chr19-11286572-T-C.
Other names: c.1872+6A>G (NM_001379552.1, NM_001379553.1, NM_001379554.1 and 5 more transcripts); c.1848+6A>G (NM_001379562.1, NM_001379563.1, NM_001329451.2 and 7 more transcripts).
Identifiers: ClinVar variation 4721001 (VCV004721001.1).
Genomic context (GRCh38, chr19:11,175,896, plus strand): 5'-GGCCACGGGTGGGGTGGAGGTAGGGGTCCGGGGGGTGGCCAACCTAGGCCCAGGGCCAGA[T>C]CGTACCAGCTCCCGCTCTGTGAGGGCGTTGGGATTGTCCAGGTACTTTTCCAGGGCCAAG-3'

ClinVar aggregate classification (germline): Uncertain significance (1 of 4 stars; one submission).

Submission:

Labcorp Genetics (formerly Invitae), Labcorp
Classification: Uncertain significance. Last evaluated: 2025-06-08. Review status: criteria provided, single submitter. Criteria: Invitae Variant Classification Sherloc (09022015). Collection method: clinical testing. Allele origin: germline.
Comment: This sequence change falls in intron 8 of the KANK2 gene. It does not directly change the encoded amino acid sequence of the KANK2 protein. It affects a nucleotide within the consensus splice site. This variant is not present in population databases (gnomAD no frequency). This variant has not been reported in the literature in individuals affected with KANK2-related conditions. Variants that disrupt the consensus splice site are a relatively common cause of aberrant splicing (PMID: 17576681, 9536098). Algorithms developed to predict the effect of sequence changes on RNA splicing suggest that this variant is not likely to affect RNA splicing. In summary, the available evidence is currently insufficient to determine the role of this variant in disease. Therefore, it has been classified as a Variant of Uncertain Significance.

Literature cited by the submitters: PubMed 17576681; PubMed 9536098.